The following is an entry in ClinVar:

ClinVar aggregate classification (germline): Uncertain significance (1 of 4 stars; one submission).

Conditions:
Hereditary cancer-predisposing syndrome. Also called: Neoplastic Syndromes, Hereditary; Tumor predisposition; Hereditary neoplastic syndrome; Hereditary Cancer Syndrome. Identifiers: Orphanet 140162, MedGen C0027672, MeSH D009386, MONDO:0015356.

Submission:

Ambry Genetics
Classification: Uncertain significance for Hereditary cancer-predisposing syndrome. Last evaluated: 2026-08-23. Review status: criteria provided, single submitter. Criteria: Ambry Variant Classification Scheme 2023. Collection method: clinical testing. Allele origin: germline.
Comment: The p.D1020V variant (also known as c.3059A>T), located in coding exon 13 of the MET gene, results from an A to T substitution at nucleotide position 3059. The aspartic acid at codon 1020 is replaced by valine, an amino acid with highly dissimilar properties. This amino acid position is conserved. In addition, this alteration is predicted to be deleterious by in silico analysis. Based on the available evidence, the clinical significance of this variant remains unclear.

NM_000245.4(MET):c.3005A>T (p.Asp1002Val)

Gene: MET (MET proto-oncogene, receptor tyrosine kinase; plus strand). Cytogenetic location: 7q31.2.
Variant type: single nucleotide variant.
Coding change: c.3005A>T on transcript NM_000245.4 (MANE Select); coding-DNA position 3005, A replaced by T.
Protein change: p.Asp1002Val; replaces aspartic acid 1002 with valine.
Molecular consequence: missense variant.
Genome position (GRCh38, 1-based): chr7:116,771,966, A>T. VCF-style: chr7-116771966-A-T. GRCh37 (hg19) VCF-style: chr7-116412020-A-T.
Other names: c.3059A>T, p.Asp1020Val (NM_001127500.3); c.1715A>T, p.Asp572Val (NM_001324402.2); short protein forms D1020V, D572V, D1002V.
Identifiers: ClinVar variation 5024428 (VCV005024428.1).